The following is an entry in ClinVar:

NM_001999.4(FBN2):c.6949G>A (p.Gly2317Ser)

Gene: FBN2 (fibrillin 2; minus strand). Cytogenetic location: 5q23.3.
Variant type: single nucleotide variant.
Coding change: c.6949G>A on transcript NM_001999.4 (MANE Select); coding-DNA position 6949, G replaced by A.
Protein change: p.Gly2317Ser; replaces glycine 2317 with serine.
Molecular consequence: missense variant.
Genome position (GRCh38, 1-based): chr5:128,286,781, C>T on the plus strand (G>A on the coding strand, the complement: FBN2 is on the minus strand). VCF-style: chr5-128286781-C-T. GRCh37 (hg19) VCF-style: chr5-127622473-C-T.
Other names: short protein forms G2317S.
Identifiers: ClinVar variation 213424 (VCV000213424.15), dbSNP rs863223613, ClinGen allele CA324596.

ClinVar aggregate classification (germline): Uncertain significance. Review status: criteria provided, multiple submitters, no conflicts (2 of 4 stars). 2 submissions from 2 submitters: Uncertain significance (2). Last evaluated 2026-01-10.

Conditions:
Congenital contractural arachnodactyly (CCA). Also called: Beals-Hecht syndrome; BEALS SYNDROME; Arthrogryposis, distal, type 9. Identifiers: Orphanet 115, MedGen C0220668, MONDO:0007363, OMIM 121050.

Allele frequency attached by ClinVar (database versions not stated): gnomAD 0.00001 and 0.00002; gnomAD exomes 0.00001; TOPMed 0.00001.
gnomAD v4.1: 24 of 1,613,926 alleles (0.0015%); highest among the groups gnomAD compares: Non-Finnish European, 0.0018%; no homozygotes.

Submissions (2):

Labcorp Genetics (formerly Invitae), Labcorp
Classification: Uncertain significance for Congenital contractural arachnodactyly. Last evaluated: 2026-01-10. Review status: criteria provided, single submitter. Criteria: Invitae Variant Classification Sherloc (09022015). Collection method: clinical testing. Allele origin: germline.
Comment: This sequence change replaces glycine, which is neutral and non-polar, with serine, which is neutral and polar, at codon 2317 of the FBN2 protein (p.Gly2317Ser). This variant is present in population databases (no rsID available, gnomAD 0.003%). This variant has not been reported in the literature in individuals affected with FBN2-related conditions. ClinVar contains an entry for this variant (Variation ID: 213424). Invitae Evidence Modeling of protein sequence and biophysical properties (such as structural, functional, and spatial information, amino acid conservation, physicochemical variation, residue mobility, and thermodynamic stability) has been performed for this missense variant. However, the output from this modeling did not meet the statistical confidence thresholds required to predict the impact of this variant on FBN2 protein function. In summary, the available evidence is currently insufficient to determine the role of this variant in disease. Therefore, it has been classified as a Variant of Uncertain Significance.

GeneDx
Classification: Uncertain significance. Last evaluated: 2024-09-25. Review status: criteria provided, single submitter. Criteria: GeneDx Variant Classification Process June 2021. Collection method: clinical testing. Allele origin: germline. Affected: yes.
Comment: Not observed at significant frequency in large population cohorts (gnomAD); In silico analysis supports that this missense variant has a deleterious effect on protein structure/function; Has not been previously published as pathogenic or benign to our knowledge; This variant is associated with the following publications: (PMID: 19006240, 18767143)